The following is an entry in ClinVar:

ClinVar aggregate classification (germline): Uncertain significance (1 of 4 stars; one submission).

Conditions:
Autoimmune interstitial lung disease-arthritis syndrome. Also called: Autoinflammation and autoimmunity, systemic, with immune dysregulation. Identifiers: Orphanet 444092, MedGen C5975714, MONDO:0014629.

Allele frequency attached by ClinVar (database versions not stated): gnomAD exomes below 0.00001.
gnomAD v4.1: 2 of 1,611,186 alleles (0.00012%); highest among the groups gnomAD compares: Admixed American, 0.0033%; no homozygotes.

Submission:

Labcorp Genetics (formerly Invitae), Labcorp
Classification: Uncertain significance for Autoimmune interstitial lung disease-arthritis syndrome. Last evaluated: 2025-10-06. Review status: criteria provided, single submitter. Criteria: Invitae Variant Classification Sherloc (09022015). Collection method: clinical testing. Allele origin: germline.
Comment: This sequence change replaces threonine, which is neutral and polar, with isoleucine, which is neutral and non-polar, at codon 216 of the COPA protein (p.Thr216Ile). This variant is not present in population databases (gnomAD no frequency). This variant has not been reported in the literature in individuals affected with COPA-related conditions. ClinVar contains an entry for this variant (Variation ID: 1360598). Invitae Evidence Modeling of protein sequence and biophysical properties (such as structural, functional, and spatial information, amino acid conservation, physicochemical variation, residue mobility, and thermodynamic stability) indicates that this missense variant is expected to disrupt COPA protein function with a positive predictive value of 80%. In summary, the available evidence is currently insufficient to determine the role of this variant in disease. Therefore, it has been classified as a Variant of Uncertain Significance.

NM_004371.4(COPA):c.647C>T (p.Thr216Ile)

Gene: COPA (coat protein complex I subunit alpha; minus strand). Cytogenetic location: 1q23.2.
Variant type: single nucleotide variant.
Coding change: c.647C>T on transcript NM_004371.4 (MANE Select); coding-DNA position 647, C replaced by T.
Protein change: p.Thr216Ile; replaces threonine 216 with isoleucine.
Molecular consequence: missense variant.
Genome position (GRCh38, 1-based): chr1:160,323,490, G>A on the plus strand (C>T on the coding strand, the complement: COPA is on the minus strand). VCF-style: chr1-160323490-G-A. GRCh37 (hg19) VCF-style: chr1-160293280-G-A.
Other names: c.647C>T, p.Thr216Ile (NM_001098398.2); short protein forms T216I.
Identifiers: ClinVar variation 1360598 (VCV001360598.6), dbSNP rs2101860231, ClinGen allele CA343266890.